The following is an entry in ClinVar:

NM_006767.4(LZTR1):c.467A>T (p.Lys156Met)

Gene: LZTR1 (leucine zipper like post translational regulator 1; plus strand). Cytogenetic location: 22q11.21.
Variant type: single nucleotide variant.
Coding change: c.467A>T on transcript NM_006767.4 (MANE Select); coding-DNA position 467, A replaced by T.
Protein change: p.Lys156Met; replaces lysine 156 with methionine.
Molecular consequence: missense variant.
Genome position (GRCh38, 1-based): chr22:20,988,076, A>T. VCF-style: chr22-20988076-A-T. GRCh37 (hg19) VCF-style: chr22-21342365-A-T.
Other names: short protein forms K156M.
Identifiers: ClinVar variation 3541686 (VCV003541686.1).

ClinVar aggregate classification (germline): Uncertain significance (1 of 4 stars; one submission).

Conditions:
Hereditary cancer-predisposing syndrome. Also called: Hereditary Cancer Syndrome; Hereditary neoplastic syndrome; Tumor predisposition; Neoplastic Syndromes, Hereditary. Identifiers: Orphanet 140162, MedGen C0027672, MeSH D009386, MONDO:0015356.
Cardiovascular phenotype. Identifiers: MedGen CN230736.

Submission:

Ambry Genetics
Classification: Uncertain significance for Cardiovascular phenotype; Hereditary cancer-predisposing syndrome. Last evaluated: 2024-10-29. Review status: criteria provided, single submitter. Criteria: Ambry Variant Classification Scheme 2023. Collection method: clinical testing. Allele origin: germline.
Comment: The p.K156M variant (also known as c.467A>T), located in coding exon 5 of the LZTR1 gene, results from an A to T substitution at nucleotide position 467. The lysine at codon 156 is replaced by methionine, an amino acid with similar properties. This amino acid position is conserved. In addition, this alteration is predicted to be deleterious by in silico analysis. Based on the available evidence, the clinical significance of this variant remains unclear.